The following is an entry in ClinVar:

ClinVar aggregate classification (germline): Uncertain significance (1 of 4 stars; one submission).

Conditions:
Congenital brain dysgenesis due to glutamine synthetase deficiency (GLND). Also called: GLUTAMINE SYNTHASE DEFICIENCY, CONGENITAL SYSTEMIC. Identifiers: Orphanet 71278, MedGen C1864910, MONDO:0012393, OMIM 610015.

Allele frequency attached by ClinVar (database versions not stated): gnomAD 0.00001; TOPMed 0.00002; ExAC 0.00003.

Submission:

Labcorp Genetics (formerly Invitae), Labcorp
Classification: Uncertain significance for Congenital brain dysgenesis due to glutamine synthetase deficiency. Last evaluated: 2024-10-23. Review status: criteria provided, single submitter. Criteria: Invitae Variant Classification Sherloc (09022015). Collection method: clinical testing. Allele origin: germline.
Comment: This sequence change replaces arginine, which is basic and polar, with histidine, which is basic and polar, at codon 227 of the GLUL protein (p.Arg227His). This variant is present in population databases (rs776890212, gnomAD 0.02%). This variant has not been reported in the literature in individuals affected with GLUL-related conditions. ClinVar contains an entry for this variant (Variation ID: 1900819). Invitae Evidence Modeling of protein sequence and biophysical properties (such as structural, functional, and spatial information, amino acid conservation, physicochemical variation, residue mobility, and thermodynamic stability) indicates that this missense variant is expected to disrupt GLUL protein function with a positive predictive value of 80%. In summary, the available evidence is currently insufficient to determine the role of this variant in disease. Therefore, it has been classified as a Variant of Uncertain Significance.

NM_001033044.4(GLUL):c.680G>A (p.Arg227His)

Gene: GLUL (glutamate-ammonia ligase; minus strand). Cytogenetic location: 1q25.3.
Variant type: single nucleotide variant.
Coding change: c.680G>A on transcript NM_001033044.4 (MANE Select); coding-DNA position 680, G replaced by A.
Protein change: p.Arg227His; replaces arginine 227 with histidine.
Molecular consequence: missense variant.
Genome position (GRCh38, 1-based): chr1:182,385,480, C>T on the plus strand (G>A on the coding strand, the complement: GLUL is on the minus strand). VCF-style: chr1-182385480-C-T. GRCh37 (hg19) VCF-style: chr1-182354615-C-T.
Other names: c.680G>A, p.Arg227His (NM_001033056.4, NM_002065.7); short protein forms R227H.
Identifiers: ClinVar variation 1900819 (VCV001900819.4), dbSNP rs776890212, ClinGen allele CA1277063.